The following is an entry in ClinVar:

NM_001048174.2(MUTYH):c.166T>C (p.Tyr56His)

Gene: MUTYH (mutY DNA glycosylase; minus strand). Cytogenetic location: 1p34.1.
Variant type: single nucleotide variant.
Coding change: c.166T>C on transcript NM_001048174.2 (MANE Select); coding-DNA position 166, T replaced by C.
Protein change: p.Tyr56His; replaces tyrosine 56 with histidine.
Molecular consequence: missense variant. On other transcripts: 5 prime UTR variant (1), non-coding transcript variant (5), intron variant (5).
Genome position (GRCh38, 1-based): chr1:45,333,511, A>G on the plus strand (T>C on the coding strand, the complement: MUTYH is on the minus strand). VCF-style: chr1-45333511-A-G. GRCh37 (hg19) VCF-style: chr1-45799183-A-G.
Other names: c.166T>C, p.Tyr56His (NM_001048171.2, NM_001048173.2, NM_001293195.2 and 6 more transcripts); c.169T>C, p.Tyr57His (NM_001048172.2, NM_001407071.1, NM_001407078.1 and 2 more transcripts); c.250T>C, p.Tyr84His (NM_001128425.2); c.211T>C, p.Tyr71His (NM_001293190.2); c.199T>C, p.Tyr67His (NM_001293191.2, NM_001407077.1); c.-106T>C (NM_001350650.2); c.241T>C, p.Tyr81His (NM_001407069.1, NM_012222.3); c.208T>C, p.Tyr70His (NM_001407073.1, NM_001407083.1, NM_001407085.1); and 4 more; short protein forms Y57H, Y67H, Y70H, Y81H, Y84H, Y28H, Y63H, Y56H.
Identifiers: ClinVar variation 4113548 (VCV004113548.1).

ClinVar aggregate classification (germline): Uncertain significance (1 of 4 stars; one submission).

Conditions:
Hereditary cancer-predisposing syndrome. Also called: Hereditary neoplastic syndrome; Neoplastic Syndromes, Hereditary; Tumor predisposition; Hereditary Cancer Syndrome. Identifiers: Orphanet 140162, MedGen C0027672, MeSH D009386, MONDO:0015356.

Submission:

Ambry Genetics
Classification: Uncertain significance for Hereditary cancer-predisposing syndrome. Last evaluated: 2025-08-27. Review status: criteria provided, single submitter. Criteria: Ambry Variant Classification Scheme 2023. Collection method: clinical testing. Allele origin: germline.
Comment: The p.Y84H variant (also known as c.250T>C), located in coding exon 3 of the MUTYH gene, results from a T to C substitution at nucleotide position 250. The tyrosine at codon 84 is replaced by histidine, an amino acid with similar properties. This amino acid position is conserved. In addition, the in silico prediction for this alteration is inconclusive. Based on the available evidence, the clinical significance of this variant remains unclear.